The following is an entry in ClinVar:

ClinVar aggregate classification (germline): Uncertain significance (1 of 4 stars; one submission).

Conditions:
Neuropathy, hereditary sensory and autonomic, type 2A (HSAN2A). Also called: ACROOSTEOLYSIS, GIACCAI TYPE; ACROOSTEOLYSIS, NEUROGENIC; MORVAN DISEASE; NEUROPATHY, CONGENITAL SENSORY; NEUROPATHY, HEREDITARY SENSORY RADICULAR, AUTOSOMAL RECESSIVE; NEUROPATHY, HEREDITARY SENSORY, TYPE IIA. Identifiers: Orphanet 970, MedGen C2752089, MONDO:0024309, OMIM 201300.
Pseudohypoaldosteronism type 2C (PHA2C). Also called: Pseudohypoaldosteronism Type IIC. Identifiers: Orphanet 757, Orphanet 88940, MedGen C1840391, MONDO:0013778, OMIM 614492.

Submission:

Labcorp Genetics (formerly Invitae), Labcorp
Classification: Uncertain significance for Neuropathy, hereditary sensory and autonomic, type 2A; Pseudohypoaldosteronism type 2C. Last evaluated: 2025-07-09. Review status: criteria provided, single submitter. Criteria: Invitae Variant Classification Sherloc (09022015). Collection method: clinical testing. Allele origin: germline.
Comment: This sequence change creates a premature translational stop signal (p.Met720Ilefs*121) in the WNK1 gene. However, it is currently unclear if variants that occur in this region of the gene cause disease. This variant is present in population databases (no rsID available, gnomAD 0.009%). This variant has not been reported in the literature in individuals affected with WNK1-related conditions. In summary, the available evidence is currently insufficient to determine the role of this variant in disease. Therefore, it has been classified as a Variant of Uncertain Significance.

NM_213655.5(WNK1):c.2158_2159dup (p.Met720fs)

Gene: WNK1 (WNK lysine deficient protein kinase 1; plus strand). Cytogenetic location: 12p13.33.
Variant type: Duplication.
Coding change: c.2158_2159dup on transcript NM_213655.5 (MANE Plus Clinical); coding-DNA positions 2158 to 2159, 2 bases duplicated (AT; older notation c.2158_2159dupAT).
Protein change: p.Met720fs; shifts the reading frame from methionine 720.
Molecular consequence: frameshift variant. On other transcripts: intron variant (3).
Genome position (GRCh38, 1-based): chr12:865,128-865,129, AT duplicated. VCF-style (leftmost placement, unchanged base first): chr12-865127-C-CAT. GRCh37 (hg19) VCF-style: chr12-974293-C-CAT.
Other names: c.2140-2738_2140-2737dup (NM_001184985.2); c.2139+2858_2139+2859dup (NM_018979.4, NM_014823.3); short protein forms M720fs.
Identifiers: ClinVar variation 4794936 (VCV004794936.1).